The following is an entry in ClinVar:

NM_203446.3(SYNJ1):c.*602G>T

Gene: SYNJ1 (synaptojanin 1; minus strand). Cytogenetic location: 21q22.11.
Variant type: single nucleotide variant.
Coding change: c.*602G>T on transcript NM_203446.3 (MANE Select); 602 bases downstream of the stop codon, G replaced by T.
Molecular consequence: 3 prime UTR variant. On other transcripts: missense variant (2).
Genome position (GRCh38, 1-based): chr21:32,631,203, C>A on the plus strand (G>T on the coding strand, the complement: SYNJ1 is on the minus strand). VCF-style: chr21-32631203-C-A. GRCh37 (hg19) VCF-style: chr21-34003513-C-A.
Other names: c.*602G>T (NM_001160302.2); c.4373G>T, p.Gly1458Val (NM_001160306.2); c.4631G>T, p.Gly1544Val (NM_003895.4); short protein forms G1458V, G1544V.
Identifiers: ClinVar variation 2108796 (VCV002108796.3), dbSNP rs375352780, ClinGen allele CA319449750.

ClinVar aggregate classification (germline): Uncertain significance (1 of 4 stars; one submission).

Conditions:
Developmental and epileptic encephalopathy, 53. Also called: Epileptic encephalopathy, early infantile, 53. Identifiers: MedGen C4479313, MONDO:0033362, OMIM 617389.
Early-onset Parkinson disease 20. Also called: PARKINSON DISEASE 20, AUTOSOMAL RECESSIVE EARLY-ONSET. Identifiers: Orphanet 391411, MedGen C3809824, MONDO:0014233, OMIM 615530.

Submission:

Labcorp Genetics (formerly Invitae), Labcorp
Classification: Uncertain significance for Developmental and epileptic encephalopathy, 53; Early-onset Parkinson disease 20. Last evaluated: 2024-05-15. Review status: criteria provided, single submitter. Criteria: Invitae Variant Classification Sherloc (09022015). Collection method: clinical testing. Allele origin: germline.
Comment: This sequence change replaces glycine, which is neutral and non-polar, with valine, which is neutral and non-polar, at codon 1544 of the SYNJ1 protein (p.Gly1544Val). This variant is not present in population databases (gnomAD no frequency). This variant has not been reported in the literature in individuals affected with SYNJ1-related conditions. ClinVar contains an entry for this variant (Variation ID: 2108796). An algorithm developed to predict the effect of missense changes on protein structure and function (PolyPhen-2) suggests that this variant is likely to be tolerated. In summary, the available evidence is currently insufficient to determine the role of this variant in disease. Therefore, it has been classified as a Variant of Uncertain Significance.